The following is an entry in ClinVar:

NM_015047.3(EMC1):c.1429del (p.Ala477fs)

Genes: EMC1 (ER membrane protein complex subunit 1; minus strand), EMC1-AS1 (EMC1 antisense RNA 1; plus strand). Cytogenetic location: 1p36.13.
Variant type: Deletion.
Coding change: c.1429del on transcript NM_015047.3 (MANE Select); coding-DNA position 1429, one base deleted (G; older notation c.1429delG).
Protein change: p.Ala477fs; shifts the reading frame from alanine 477.
Molecular consequence: frameshift variant.
Genome position (GRCh38, 1-based): chr1:19,235,133, C deleted on the plus strand (G on the coding strand, the reverse complement: EMC1 is on the minus strand); the first of 2 consecutive C bases (chr1:19,235,133-19,235,134); deleting either gives the same sequence. VCF-style (leftmost placement, unchanged base first): chr1-19235132-GC-G. GRCh37 (hg19) VCF-style: chr1-19561626-GC-G.
Other names: c.1426del, p.Ala476fs (NM_001271427.2, NM_001271428.2, NM_001375821.1); c.1363del, p.Ala455fs (NM_001271429.2); c.1429del, p.Ala477fs (NM_001375820.1); short protein forms A455fs, A476fs, A477fs.
Identifiers: ClinVar variation 1019587 (VCV001019587.8), dbSNP rs1348913197, ClinGen allele CA729230561.

ClinVar aggregate classification (germline): Pathogenic (1 of 4 stars; one submission).

Submission:

Labcorp Genetics (formerly Invitae), Labcorp
Classification: Pathogenic. Last evaluated: 2025-09-08. Review status: criteria provided, single submitter. Criteria: Invitae Variant Classification Sherloc (09022015). Collection method: clinical testing. Allele origin: germline.
Comment: This sequence change creates a premature translational stop signal (p.Ala477Glnfs*9) in the EMC1 gene. It is expected to result in an absent or disrupted protein product. Loss-of-function variants in EMC1 are known to be pathogenic (PMID: 26572623, 26942288, 29271071). This variant is not present in population databases (gnomAD no frequency). This variant has not been reported in the literature in individuals affected with EMC1-related conditions. ClinVar contains an entry for this variant (Variation ID: 1019587). For these reasons, this variant has been classified as Pathogenic.

Literature cited by the submitters: PubMed 26572623; PubMed 26942288; PubMed 29271071.